The following is an entry in ClinVar:

NM_004204.5(PIGQ):c.849G>T (p.Leu283=)

Gene: PIGQ (phosphatidylinositol glycan anchor biosynthesis class Q; plus strand). Cytogenetic location: 16p13.3.
Variant type: single nucleotide variant.
Coding change: c.849G>T on transcript NM_004204.5 (MANE Select); coding-DNA position 849, G replaced by T.
Protein change: p.Leu283=; no amino-acid change (leucine 283 retained).
Molecular consequence: synonymous variant.
Genome position (GRCh38, 1-based): chr16:576,161, G>T. VCF-style: chr16-576161-G-T. GRCh37 (hg19) VCF-style: chr16-626161-G-T.
Other names: c.849G>T, p.Leu283= (NM_148920.4).
Identifiers: ClinVar variation 526294 (VCV000526294.37), dbSNP rs373615860, ClinGen allele CA7780009.

ClinVar aggregate classification (germline): Benign/Likely benign. Review status: criteria provided, multiple submitters, no conflicts (2 of 4 stars). 5 submissions from 5 submitters: Benign (3); Likely benign (1). 1 of the submissions does not count toward it. Last evaluated 2026-09-01.

Conditions:
PIGQ-related disorder. Also called: PIGQ-related condition.
Epilepsy. Also called: Seizure disorder. Identifiers: MedGen C0014544, MeSH D004827, MONDO:0005027.

Allele frequency attached by ClinVar (database versions not stated): TOPMed 0.00005; ESP Exome Variant Server 0.00008; gnomAD 0.00010; 1000 Genomes Project 30x 0.00375; 1000 Genomes Project 0.00399; ExAC 0.00524.
gnomAD v4.1: 1,288 of 1,549,180 alleles (0.083%); highest among the groups gnomAD compares: South Asian, 1.4%; 19 homozygotes.

Submissions (5):

CeGaT Center for Human Genetics Tuebingen
Classification: Benign. Last evaluated: 2026-09-01. Review status: criteria provided, single submitter. Criteria: CeGaT Center For Human Genetics Tuebingen Variant Classification Criteria Version 2. Collection method: clinical testing. Allele origin: germline. Affected: yes. Observed: 8 variant alleles.
Comment: PIGQ: BP4, BP7, BS1, BS2

Labcorp Genetics (formerly Invitae), Labcorp
Classification: Benign for Epilepsy. Last evaluated: 2026-01-15. Review status: criteria provided, single submitter. Criteria: Invitae Variant Classification Sherloc (09022015). Collection method: clinical testing. Allele origin: germline.

Blueprint Genetics
Classification: Likely benign. Last evaluated: 2024-11-25. Review status: criteria provided, single submitter. Criteria: ACMG Guidelines, 2015. Collection method: clinical testing. Allele origin: germline.

Breakthrough Genomics
Classification: Benign. Review status: criteria provided, single submitter. Criteria: ACMG Guidelines, 2015. Collection method: not provided. Allele origin: germline. Inheritance: Autosomal recessive inheritance. Affected: yes.

PreventionGenetics, part of Exact Sciences
Classification: Benign for PIGQ-related condition. Last evaluated: 2019-11-16. Review status: no assertion criteria provided. Collection method: clinical testing. Allele origin: germline. Not counted in ClinVar's aggregate classification.
Comment: This variant is classified as benign based on ACMG/AMP sequence variant interpretation guidelines (Richards et al. 2015 PMID: 25741868, with internal and published modifications).